The following is an entry in ClinVar:

NM_004655.4(AXIN2):c.2233G>A (p.Glu745Lys)

Gene: AXIN2 (axin 2; minus strand). Cytogenetic location: 17q24.1.
Variant type: single nucleotide variant.
Coding change: c.2233G>A on transcript NM_004655.4 (MANE Select); coding-DNA position 2233, G replaced by A.
Protein change: p.Glu745Lys; replaces glutamic acid 745 with lysine.
Molecular consequence: missense variant.
Genome position (GRCh38, 1-based): chr17:65,535,630, C>T on the plus strand (G>A on the coding strand, the complement: AXIN2 is on the minus strand). VCF-style: chr17-65535630-C-T. GRCh37 (hg19) VCF-style: chr17-63531748-C-T.
Other names: c.2038G>A, p.Glu680Lys (NM_001363813.1); short protein forms E745K, E680K.
Identifiers: ClinVar variation 2045298 (VCV002045298.5), dbSNP rs2509396503, ClinGen allele CA400675706.

ClinVar aggregate classification (germline): Uncertain significance. Review status: criteria provided, multiple submitters, no conflicts (2 of 4 stars). 2 submissions from 2 submitters: Uncertain significance (2). Last evaluated 2026-07-06.

Conditions:
Oligodontia-cancer predisposition syndrome. Also called: TOOTH AGENESIS-COLORECTAL CANCER SYNDROME. Identifiers: Orphanet 300576, MedGen C1837750, MONDO:0012075, OMIM 608615. Disease mechanism: loss of function.
Hereditary cancer-predisposing syndrome. Also called: Hereditary neoplastic syndrome; Neoplastic Syndromes, Hereditary; Tumor predisposition; Hereditary Cancer Syndrome. Identifiers: Orphanet 140162, MedGen C0027672, MeSH D009386, MONDO:0015356.

Submissions (2):

Ambry Genetics
Classification: Uncertain significance for Hereditary cancer-predisposing syndrome. Last evaluated: 2026-07-06. Review status: criteria provided, single submitter. Criteria: Ambry Variant Classification Scheme 2023. Collection method: clinical testing. Allele origin: germline.
Comment: The p.E745K variant (also known as c.2233G>A), located in coding exon 8 of the AXIN2 gene, results from a G to A substitution at nucleotide position 2233. The glutamic acid at codon 745 is replaced by lysine, an amino acid with similar properties. This amino acid position is conserved. In addition, the in silico prediction for this alteration is inconclusive. Based on the available evidence, the clinical significance of this variant remains unclear.

Labcorp Genetics (formerly Invitae), Labcorp
Classification: Uncertain significance for Oligodontia-cancer predisposition syndrome. Last evaluated: 2021-12-17. Review status: criteria provided, single submitter. Criteria: Invitae Variant Classification Sherloc (09022015). Collection method: clinical testing. Allele origin: germline.
Comment: Algorithms developed to predict the effect of missense changes on protein structure and function (SIFT, PolyPhen-2, Align-GVGD) all suggest that this variant is likely to be tolerated. In summary, the available evidence is currently insufficient to determine the role of this variant in disease. Therefore, it has been classified as a Variant of Uncertain Significance. This variant has not been reported in the literature in individuals affected with AXIN2-related conditions. This variant is not present in population databases (gnomAD no frequency). This sequence change replaces glutamic acid, which is acidic and polar, with lysine, which is basic and polar, at codon 745 of the AXIN2 protein (p.Glu745Lys).